The following is an entry in ClinVar:

NM_001605.3(AARS1):c.1393C>A (p.Leu465Met)

Gene: AARS1 (alanyl-tRNA synthetase 1; minus strand). Cytogenetic location: 16q22.1.
Variant type: single nucleotide variant.
Coding change: c.1393C>A on transcript NM_001605.3 (MANE Select); coding-DNA position 1393, C replaced by A.
Protein change: p.Leu465Met; replaces leucine 465 with methionine.
Molecular consequence: missense variant.
Genome position (GRCh38, 1-based): chr16:70,265,057, G>T on the plus strand (C>A on the coding strand, the complement: AARS1 is on the minus strand). VCF-style: chr16-70265057-G-T. GRCh37 (hg19) VCF-style: chr16-70298960-G-T.
Other names: short protein forms L465M.
Identifiers: ClinVar variation 3661931 (VCV003661931.2).

ClinVar aggregate classification (germline): Uncertain significance (1 of 4 stars; one submission).

Conditions:
Charcot-Marie-Tooth disease type 2. Also called: Charcot-Marie-Tooth type 2. Identifiers: Orphanet 64746, MedGen C0270914, MONDO:0018993.

Submission:

Labcorp Genetics (formerly Invitae), Labcorp
Classification: Uncertain significance for Charcot-Marie-Tooth disease type 2. Last evaluated: 2024-08-11. Review status: criteria provided, single submitter. Criteria: Invitae Variant Classification Sherloc (09022015). Collection method: clinical testing. Allele origin: germline.
Comment: This sequence change replaces leucine, which is neutral and non-polar, with methionine, which is neutral and non-polar, at codon 465 of the AARS protein (p.Leu465Met). This variant is not present in population databases (gnomAD no frequency). This variant has not been reported in the literature in individuals affected with AARS-related conditions. An algorithm developed to predict the effect of missense changes on protein structure and function (PolyPhen-2) suggests that this variant is likely to be disruptive. In summary, the available evidence is currently insufficient to determine the role of this variant in disease. Therefore, it has been classified as a Variant of Uncertain Significance.